The following is an entry in ClinVar:

ClinVar aggregate classification (germline): Uncertain significance. Review status: criteria provided, multiple submitters, no conflicts (2 of 4 stars). 2 submissions from 2 submitters: Uncertain significance (2). Last evaluated 2025-03-25.

Conditions:
Inborn genetic diseases. Identifiers: MedGen C0950123, MeSH D030342.

Allele frequency attached by ClinVar (database versions not stated): TOPMed 0.00001.

Submissions (2):

Ambry Genetics
Classification: Uncertain significance for Inborn genetic diseases. Last evaluated: 2025-03-25. Review status: criteria provided, single submitter. Criteria: Ambry Variant Classification Scheme 2023. Collection method: clinical testing. Allele origin: germline.

Athena Diagnostics
Classification: Uncertain significance. Last evaluated: 2023-08-01. Review status: criteria provided, single submitter. Criteria: Athena Diagnostics Criteria. Collection method: clinical testing. Allele origin: unknown.
Comment: Available data are insufficient to determine the clinical significance of the variant at this time. This variant has not been reported in large, multi-ethnic general populations. Computational tools disagree on the variant's effect on normal protein function.

NM_005045.4(RELN):c.5021A>G (p.Lys1674Arg)

Gene: RELN (reelin; minus strand). Cytogenetic location: 7q22.1.
Variant type: single nucleotide variant.
Coding change: c.5021A>G on transcript NM_005045.4 (MANE Select); coding-DNA position 5021, A replaced by G.
Protein change: p.Lys1674Arg; replaces lysine 1674 with arginine.
Molecular consequence: missense variant.
Genome position (GRCh38, 1-based): chr7:103,565,467, T>C on the plus strand (A>G on the coding strand, the complement: RELN is on the minus strand). VCF-style: chr7-103565467-T-C. GRCh37 (hg19) VCF-style: chr7-103205914-T-C.
Other names: c.5021A>G, p.Lys1674Arg (NM_173054.3); short protein forms K1674R.
Identifiers: ClinVar variation 2684321 (VCV002684321.2), dbSNP rs1304378989, ClinGen allele CA368746422.